The following is an entry in ClinVar:

ClinVar aggregate classification (germline): Pathogenic (1 of 4 stars; one submission).

Conditions:
Acyl-CoA oxidase deficiency. Also called: STRAIGHT-CHAIN ACYL-CoA OXIDASE DEFICIENCY; Pseudoneonatal adrenoleukodystrophy; Peroxisomal acyl-CoA oxidase deficiency. Identifiers: Orphanet 2971, MedGen C1849678, MONDO:0009919, OMIM 264470. Disease mechanism: loss of function.

Submission:

Labcorp Genetics (formerly Invitae), Labcorp
Classification: Pathogenic for Acyl-CoA oxidase deficiency. Last evaluated: 2021-09-29. Review status: criteria provided, single submitter. Criteria: Invitae Variant Classification Sherloc (09022015). Collection method: clinical testing. Allele origin: germline.
Comment: This sequence change creates a premature translational stop signal (p.Tyr156*) in the ACOX1 gene. It is expected to result in an absent or disrupted protein product. Loss-of-function variants in ACOX1 are known to be pathogenic (PMID: 8040306, 17458872). For these reasons, this variant has been classified as Pathogenic. Algorithms developed to predict the effect of sequence changes on RNA splicing suggest that this variant may create or strengthen a splice site. This variant has not been reported in the literature in individuals affected with ACOX1-related conditions. This variant is not present in population databases (ExAC no frequency).

Literature cited by the submitters: PubMed 8040306; PubMed 17458872.

NM_004035.7(ACOX1):c.468T>A (p.Tyr156Ter)

Gene: ACOX1 (acyl-CoA oxidase 1; minus strand). Cytogenetic location: 17q25.1.
Variant type: single nucleotide variant.
Coding change: c.468T>A on transcript NM_004035.7 (MANE Select); coding-DNA position 468, T replaced by A.
Protein change: p.Tyr156Ter; replaces tyrosine 156 with a stop codon.
Molecular consequence: nonsense.
Genome position (GRCh38, 1-based): chr17:75,957,529, A>T on the plus strand (T>A on the coding strand, the complement: ACOX1 is on the minus strand). VCF-style: chr17-75957529-A-T. GRCh37 (hg19) VCF-style: chr17-73953610-A-T.
Other names: c.354T>A, p.Tyr118Ter (NM_001185039.2); c.468T>A, p.Tyr156Ter (NM_007292.6); short protein forms Y156*, Y118*.
Identifiers: ClinVar variation 1459059 (VCV001459059.6), dbSNP rs542410903, ClinGen allele CA401069254.